The following is an entry in ClinVar:

NM_001005373.4(LRSAM1):c.1504-5C>G

Gene: LRSAM1 (leucine rich repeat and sterile alpha motif containing 1; plus strand). Cytogenetic location: 9q33.3.
Variant type: single nucleotide variant.
Coding change: c.1504-5C>G on transcript NM_001005373.4 (MANE Select); 5 bases into the intron before coding-DNA position 1504, C replaced by G.
Molecular consequence: intron variant.
Genome position (GRCh38, 1-based): chr9:127,492,797, C>G. VCF-style: chr9-127492797-C-G. GRCh37 (hg19) VCF-style: chr9-130255076-C-G.
Other names: c.1504-5C>G (NM_138361.5, NM_001384142.1, NM_001384143.1 and 1 more transcripts); c.1423-5C>G (NM_001190723.3); c.715-5C>G (NM_001384144.1).
Identifiers: ClinVar variation 365029 (VCV000365029.15), dbSNP rs377190920, ClinGen allele CA5247034.

ClinVar aggregate classification (germline): Conflicting classifications of pathogenicity. Review status: criteria provided, conflicting classifications (1 of 4 stars). 4 submissions from 4 submitters: Uncertain significance (1); Likely benign (3). Last evaluated 2026-06-11.

Conditions:
LRSAM1-related disorder. Also called: LRSAM1-related condition.
Charcot-Marie-Tooth disease axonal type 2P. Also called: CHARCOT-MARIE-TOOTH NEUROPATHY, TYPE 2P; CHARCOT-MARIE-TOOTH DISEASE, AXONAL, TYPE 2G; CMT 2G; Charcot-Marie-Tooth Neuropathy Type 2G. Identifiers: Orphanet 300319, Orphanet 99941, MedGen C3280797, MONDO:0013753, OMIM 614436.

Allele frequency attached by ClinVar (database versions not stated): TOPMed 0.00002; gnomAD 0.00003.
gnomAD v4.1: 58 of 1,613,208 alleles (0.0036%); highest among the groups gnomAD compares: Middle Eastern, 0.049%; 1 homozygote.

Submissions (4):

Women's Health and Genetics/Laboratory Corporation of America, LabCorp
Classification: Uncertain significance. Last evaluated: 2026-06-11. Review status: criteria provided, single submitter. Criteria: LabCorp Variant Classification Summary - May 2015. Collection method: clinical testing. Allele origin: germline.
Comment: Variant summary: LRSAM1 c.1504-5C>G alters a conserved nucleotide located at a position not widely known to affect splicing. Several computational tools predict a significant impact on normal splicing: Four predict the variant weakens the canonical 3' acceptor site. One predict the variant no significant impact on splicing. However, these predictions have yet to be confirmed by functional studies. The variant allele was found at a frequency of 7.6e-05 in 249910 control chromosomes in the gnomAD database, including 1 homozygotes. This frequency is not significantly higher than estimated for disease-causing variants in LRSAM1, allowing no conclusion about variant significance. To our knowledge, no occurrence of c.1504-5C>G in individuals affected with LRSAM1-related conditions and no experimental evidence demonstrating its impact on protein function have been reported. ClinVar contains an entry for this variant (Variation ID: 365029). Based on the evidence outlined above, the variant was classified as uncertain significance.

PreventionGenetics, part of Exact Sciences
Classification: Likely benign for LRSAM1-related condition. Last evaluated: 2025-07-16. Review status: criteria provided, single submitter. Criteria: ACMG Guidelines, 2015. Collection method: clinical testing. Allele origin: germline.
Comment: This variant is classified as likely benign based on ACMG/AMP sequence variant interpretation guidelines (Richards et al. 2015 PMID: 25741868, with internal and published modifications).

Labcorp Genetics (formerly Invitae), Labcorp
Classification: Likely benign for Charcot-Marie-Tooth disease axonal type 2P. Last evaluated: 2024-12-12. Review status: criteria provided, single submitter. Criteria: Invitae Variant Classification Sherloc (09022015). Collection method: clinical testing. Allele origin: germline.

Illumina Laboratory Services, Illumina
Classification: Likely benign for Charcot-Marie-Tooth disease axonal type 2P. Last evaluated: 2018-01-12. Review status: criteria provided, single submitter. Criteria: ICSL Variant Classification Criteria 13 December 2019. Collection method: clinical testing. Allele origin: germline.
Comment: This variant was observed in the ICSL laboratory as part of a predisposition screen in an ostensibly healthy population. It had not been previously curated by ICSL or reported in the Human Gene Mutation Database (HGMD: prior to June 1st, 2018), and was therefore a candidate for classification through an automated scoring system. Utilizing variant allele frequency, disease prevalence and penetrance estimates, and inheritance mode, an automated score was calculated to assess if this variant is too frequent to cause the disease. Based on the score and internal cut-off values, a variant classified as likely benign is not then subjected to further curation. The score for this variant resulted in a classification of likely benign for this disease.